The following is an entry in ClinVar:

ClinVar aggregate classification (germline): Uncertain significance (1 of 4 stars; one submission).

Conditions:
Holocarboxylase synthetase deficiency. Also called: MULTIPLE CARBOXYLASE DEFICIENCY, EARLY ONSET. Identifiers: Orphanet 79242, MedGen C0268581, MONDO:0009666, OMIM 253270.

Allele frequency attached by ClinVar (database versions not stated): ExAC 0.00001; TOPMed 0.00002; gnomAD 0.00003.
gnomAD v4.1: 4 of 1,614,108 alleles (0.00025%); highest among the groups gnomAD compares: African/African-American, 0.0053%; no homozygotes.

Submission:

Labcorp Genetics (formerly Invitae), Labcorp
Classification: Uncertain significance for Holocarboxylase synthetase deficiency. Last evaluated: 2022-08-21. Review status: criteria provided, single submitter. Criteria: Invitae Variant Classification Sherloc (09022015). Collection method: clinical testing. Allele origin: germline.
Comment: This sequence change replaces glutamic acid, which is acidic and polar, with aspartic acid, which is acidic and polar, at codon 227 of the HLCS protein (p.Glu227Asp). This variant is present in population databases (rs780469041, gnomAD 0.01%). This variant has not been reported in the literature in individuals affected with HLCS-related conditions. ClinVar contains an entry for this variant (Variation ID: 1366602). Advanced modeling of protein sequence and biophysical properties (such as structural, functional, and spatial information, amino acid conservation, physicochemical variation, residue mobility, and thermodynamic stability) performed at Invitae indicates that this missense variant is not expected to disrupt HLCS protein function. In summary, the available evidence is currently insufficient to determine the role of this variant in disease. Therefore, it has been classified as a Variant of Uncertain Significance.

NM_001352514.2(HLCS):c.1122A>C (p.Glu374Asp)

Gene: HLCS (holocarboxylase synthetase; minus strand). Cytogenetic location: 21q22.13.
Variant type: single nucleotide variant.
Coding change: c.1122A>C on transcript NM_001352514.2 (MANE Select); coding-DNA position 1122, A replaced by C.
Protein change: p.Glu374Asp; replaces glutamic acid 374 with aspartic acid.
Molecular consequence: missense variant. On other transcripts: non-coding transcript variant (2).
Genome position (GRCh38, 1-based): chr21:36,936,764, T>G on the plus strand (A>C on the coding strand, the complement: HLCS is on the minus strand). VCF-style: chr21-36936764-T-G. GRCh37 (hg19) VCF-style: chr21-38309064-T-G.
Other names: c.681A>C, p.Glu227Asp (NM_000411.8, NM_001242784.3, NM_001242785.2 and 4 more transcripts); short protein forms E227D, E374D.
Identifiers: ClinVar variation 1366602 (VCV001366602.5), dbSNP rs780469041, ClinGen allele CA10020631.